The following is an entry in ClinVar:

NM_001300.6(KLF6):c.676+61C>T

Gene: KLF6 (KLF transcription factor 6; minus strand). Cytogenetic location: 10p15.2.
Variant type: single nucleotide variant.
Coding change: c.676+61C>T on transcript NM_001300.6 (MANE Select); 61 bases into the intron after coding-DNA position 676, C replaced by T.
Molecular consequence: intron variant.
Genome position (GRCh38, 1-based): chr10:3,781,580, G>A on the plus strand (C>T on the coding strand, the complement: KLF6 is on the minus strand). VCF-style: chr10-3781580-G-A. GRCh37 (hg19) VCF-style: chr10-3823772-G-A.
Other names: c.550+187C>T (NM_001160124.2); c.676+61C>T (NM_001160125.2).
Identifiers: ClinVar variation 133351 (VCV000133351.1), dbSNP rs186624120, ClinGen allele CA156441.

ClinVar aggregate classification (germline): not provided (0 of 4 stars; one submission).

Allele frequency attached by ClinVar (database versions not stated): gnomAD exomes 0.00044 and 0.00106; ExAC 0.00272; 1000 Genomes Project 30x 0.00468; gnomAD 0.00498 and 0.00533; 1000 Genomes Project 0.00499; TOPMed 0.00526.
gnomAD v4.1: 1,427 of 1,599,390 alleles (0.089%); highest among the groups gnomAD compares: African/African-American, 1.7%; 18 homozygotes.

Submission:

ITMI
No classification provided. Condition: AllHighlyPenetrant. Last evaluated: 2013-09-19. Review status: no classification provided. Collection method: reference population. Allele origin: germline.
Comment: Please see associated publication for description of ethnicities

Literature cited by the submitters: PubMed 24728327.